The following is an entry in ClinVar:

ClinVar aggregate classification (germline): Uncertain significance. Review status: criteria provided, multiple submitters, no conflicts (2 of 4 stars). 2 submissions from 2 submitters: Uncertain significance (2). Last evaluated 2025-10-02.

Conditions:
Brody myopathy. Also called: BRODY DISEASE. Identifiers: Orphanet 53347, MedGen C1832918, MONDO:0010977, OMIM 601003.

Allele frequency attached by ClinVar (database versions not stated): gnomAD exomes below 0.00001 and 0.00001; TOPMed below 0.00001.
gnomAD v4.1: 6 of 1,611,534 alleles (0.00037%); highest among the groups gnomAD compares: Non-Finnish European, 0.00042%; no homozygotes.

Submissions (2):

Labcorp Genetics (formerly Invitae), Labcorp
Classification: Uncertain significance for Brody myopathy. Last evaluated: 2025-10-02. Review status: criteria provided, single submitter. Criteria: Invitae Variant Classification Sherloc (09022015). Collection method: clinical testing. Allele origin: germline.
Comment: This sequence change replaces leucine, which is neutral and non-polar, with proline, which is neutral and non-polar, at codon 342 of the ATP2A1 protein (p.Leu342Pro). This variant is present in population databases (no rsID available, gnomAD 0.0009%). This variant has not been reported in the literature in individuals affected with ATP2A1-related conditions. ClinVar contains an entry for this variant (Variation ID: 855677). An algorithm developed to predict the effect of missense changes on protein structure and function (PolyPhen-2) suggests that this variant is likely to be disruptive. In summary, the available evidence is currently insufficient to determine the role of this variant in disease. Therefore, it has been classified as a Variant of Uncertain Significance.

Clinical Genetics Laboratory, Skane University Hospital Lund
Classification: Uncertain significance. Last evaluated: 2023-11-30. Review status: criteria provided, single submitter. Criteria: ACMG Guidelines, 2015. Collection method: clinical testing. Allele origin: germline. Affected: yes.

NM_004320.6(ATP2A1):c.1025T>C (p.Leu342Pro)

Gene: ATP2A1 (ATPase sarcoplasmic/endoplasmic reticulum Ca2+ transporting 1; plus strand). Cytogenetic location: 16p11.2.
Variant type: single nucleotide variant.
Coding change: c.1025T>C on transcript NM_004320.6 (MANE Select); coding-DNA position 1025, T replaced by C.
Protein change: p.Leu342Pro; replaces leucine 342 with proline.
Molecular consequence: missense variant.
Genome position (GRCh38, 1-based): chr16:28,888,883, T>C. VCF-style: chr16-28888883-T-C. GRCh37 (hg19) VCF-style: chr16-28900204-T-C.
Other names: c.650T>C, p.Leu217Pro (NM_001286075.2); c.1025T>C, p.Leu342Pro (NM_173201.5); short protein forms L342P, L217P.
Identifiers: ClinVar variation 855677 (VCV000855677.11), dbSNP rs1241914310, ClinGen allele CA395404676.